The following is an entry in ClinVar:

NM_014956.5(CEP164):c.2771T>C (p.Leu924Pro)

Gene: CEP164 (centrosomal protein 164; plus strand). Cytogenetic location: 11q23.3.
Variant type: single nucleotide variant.
Coding change: c.2771T>C on transcript NM_014956.5 (MANE Select); coding-DNA position 2771, T replaced by C.
Protein change: p.Leu924Pro; replaces leucine 924 with proline.
Molecular consequence: missense variant.
Genome position (GRCh38, 1-based): chr11:117,394,930, T>C. VCF-style: chr11-117394930-T-C. GRCh37 (hg19) VCF-style: chr11-117265646-T-C.
Other names: c.2780T>C, p.Leu927Pro (NM_001271933.2, NM_001440949.1); c.2771T>C, p.Leu924Pro (NM_001440950.1, NM_001440951.1, NM_001440953.1); c.2606T>C, p.Leu869Pro (NM_001440952.1, NM_001440968.1, NM_001440969.1); c.2693T>C, p.Leu898Pro (NM_001440954.1, NM_001440955.1, NM_001440958.1 and 1 more transcripts); c.2684T>C, p.Leu895Pro (NM_001440956.1, NM_001440957.1); c.2642T>C, p.Leu881Pro (NM_001440960.1); c.2633T>C, p.Leu878Pro (NM_001440961.1, NM_001440967.1); c.2624T>C, p.Leu875Pro (NM_001440962.1, NM_001440963.1, NM_001440964.1 and 4 more transcripts); and 7 more; short protein forms L871P, L898P, L828P, L849P, L869P, L924P, L799P, L878P.
Identifiers: ClinVar variation 4745035 (VCV004745035.1).

ClinVar aggregate classification (germline): Uncertain significance (1 of 4 stars; one submission).

Conditions:
Nephronophthisis 15 (NPHP15). Identifiers: Orphanet 3156, MedGen C3541853, MONDO:0013917, OMIM 614845.

Submission:

Labcorp Genetics (formerly Invitae), Labcorp
Classification: Uncertain significance for Nephronophthisis 15. Last evaluated: 2026-01-19. Review status: criteria provided, single submitter. Criteria: Invitae Variant Classification Sherloc (09022015). Collection method: clinical testing. Allele origin: germline.
Comment: This sequence change replaces leucine, which is neutral and non-polar, with proline, which is neutral and non-polar, at codon 924 of the CEP164 protein (p.Leu924Pro). This variant is not present in population databases (gnomAD no frequency). This variant has not been reported in the literature in individuals affected with CEP164-related conditions. Invitae Evidence Modeling of protein sequence and biophysical properties (such as structural, functional, and spatial information, amino acid conservation, physicochemical variation, residue mobility, and thermodynamic stability) indicates that this missense variant is not expected to disrupt CEP164 protein function with a negative predictive value of 80%. In summary, the available evidence is currently insufficient to determine the role of this variant in disease. Therefore, it has been classified as a Variant of Uncertain Significance.